The following is an entry in ClinVar:

ClinVar aggregate classification (germline): Uncertain significance (1 of 4 stars; one submission).

Conditions:
Autosomal recessive bestrophinopathy. Also called: Autosomal Recessive Bestrophinopathy (ARB). Identifiers: Orphanet 139455, MedGen C3888198, MONDO:0012733, OMIM 611809.

Submission:

Molecular Genetics, Royal Melbourne Hospital
Classification: Uncertain significance for Autosomal recessive bestrophinopathy. Last evaluated: 2020-04-23. Review status: criteria provided, single submitter. Criteria: ACMG Guidelines, 2015. Collection method: clinical testing. Allele origin: germline. Affected: yes.
Comment: This sequence change is predicted to replace valine with leucine at codon 317 of the BEST1 protein (p.Val317Leu). The valine residue is moderately conserved (100 vertebrates, UCSC), and is located within the C-terminal cytoplasmic domain. There is a small physicochemical difference between valine and leucine. The variant is absent in a large population cohort (gnomAD v2.1 - PM2). This variant is not reported in the relevant medical literature or databases. Multiple lines of computational evidence predict a deleterious effect for the missense substitution (7/7 algorithms - PP3). A different missense change at this amino acid residue (p.Val317Met) determined to be pathogenic has been seen before (PMID: 18179881, 21330666 - PM5). Based on the classification scheme RMH ACMG Guidelines v1.2.1, this variant is classified as VARIANT of UNCERTAIN SIGNIFICANCE. Following criteria are met: PM2, PM5, PP3.

Literature cited by the submitters: PubMed 18179881; PubMed 21330666.

NM_004183.4(BEST1):c.949G>T (p.Val317Leu)

Gene: BEST1 (bestrophin 1; plus strand). Cytogenetic location: 11q12.3.
Variant type: single nucleotide variant.
Coding change: c.949G>T on transcript NM_004183.4 (MANE Select); coding-DNA position 949, G replaced by T.
Protein change: p.Val317Leu; replaces valine 317 with leucine.
Molecular consequence: missense variant. On other transcripts: non-coding transcript variant (1).
Genome position (GRCh38, 1-based): chr11:61,959,892, G>T. VCF-style: chr11-61959892-G-T. GRCh37 (hg19) VCF-style: chr11-61727364-G-T.
Other names: c.769G>T, p.Val257Leu (NM_001139443.3, NM_001300787.2); c.688G>T, p.Val230Leu (NM_001300786.2); c.631G>T, p.Val211Leu (NM_001363591.3); c.1152G>T, p.Arg384Ser (NM_001363592.2); c.-24G>T (NM_001363593.3); short protein forms R384S, V211L, V230L, V257L, V317L.
Identifiers: ClinVar variation 1678581 (VCV001678581.2), dbSNP rs121918287, ClinGen allele CA380846029.